The following is an entry in ClinVar:

NM_144596.4(TTC8):c.1508A>G (p.His503Arg)

Gene: TTC8 (tetratricopeptide repeat domain 8; plus strand). Cytogenetic location: 14q31.3.
Variant type: single nucleotide variant.
Coding change: c.1508A>G on transcript NM_144596.4 (MANE Select); coding-DNA position 1508, A replaced by G.
Protein change: p.His503Arg; replaces histidine 503 with arginine.
Molecular consequence: missense variant. On other transcripts: non-coding transcript variant (1).
Genome position (GRCh38, 1-based): chr14:88,877,370, A>G. VCF-style: chr14-88877370-A-G. GRCh37 (hg19) VCF-style: chr14-89343714-A-G.
Other names: c.1556A>G, p.His519Arg (NM_001288781.1); c.914A>G, p.His305Arg (NM_001288782.1); c.791A>G, p.His264Arg (NM_001288783.1); c.1394A>G, p.His465Arg (NM_001366535.2); c.1304A>G, p.His435Arg (NM_001366536.2); c.1478A>G, p.His493Arg (NM_198309.3); c.1388A>G, p.His463Arg (NM_198310.3); short protein forms H305R, H465R, H519R, H264R, H435R, H463R, H503R, H493R.
Identifiers: ClinVar variation 4983418 (VCV004983418.1).

ClinVar aggregate classification (germline): Uncertain significance (1 of 4 stars; one submission).

Conditions:
TTC8-related disorder. Also called: TTC8-related condition.

Submission:

PreventionGenetics, part of Exact Sciences
Classification: Uncertain significance for TTC8-related condition. Last evaluated: 2025-05-23. Review status: criteria provided, single submitter. Criteria: ACMG Guidelines, 2015. Collection method: clinical testing. Allele origin: germline.
Comment: The TTC8 c.1508A>G variant is predicted to result in the amino acid substitution p.His503Arg. To our knowledge, this variant has not been reported in the literature or in a large population database (gnomAD), indicating this variant is rare. At this time, the clinical significance of this variant is uncertain due to the absence of conclusive functional and genetic evidence.